The following is an entry in ClinVar:

NM_182961.4(SYNE1):c.5658G>C (p.Gln1886His)

Gene: SYNE1 (spectrin repeat containing nuclear envelope protein 1; minus strand). Cytogenetic location: 6q25.2.
Variant type: single nucleotide variant.
Coding change: c.5658G>C on transcript NM_182961.4 (MANE Select); coding-DNA position 5658, G replaced by C.
Protein change: p.Gln1886His; replaces glutamine 1886 with histidine.
Molecular consequence: missense variant.
Genome position (GRCh38, 1-based): chr6:152,416,779, C>G on the plus strand (G>C on the coding strand, the complement: SYNE1 is on the minus strand). VCF-style: chr6-152416779-C-G. GRCh37 (hg19) VCF-style: chr6-152737914-C-G.
Other names: c.5679G>C, p.Gln1893His (NM_033071.5); short protein forms Q1893H, Q1886H.
Identifiers: ClinVar variation 1488493 (VCV001488493.8), dbSNP rs1305356670, ClinGen allele CA366133401.

ClinVar aggregate classification (germline): Uncertain significance (1 of 4 stars; one submission).

Conditions:
Autosomal recessive ataxia, Beauce type. Also called: SYNE1-Related Autosomal Recessive Cerebellar Ataxia; Spinocerebellar ataxia, autosomal recessive 8; ATAXIA, RECESSIVE, OF BEAUCE; SYNE1 Deficiency. Identifiers: Orphanet 88644, MedGen C1853116, MONDO:0012549, OMIM 610743.
Emery-Dreifuss muscular dystrophy 4, autosomal dominant (EDMD4). Also called: EMERY-DREIFUSS MUSCULAR DYSTROPHY 4 WITH VARIABLE FEATURES. Identifiers: Orphanet 261, MedGen C2751807, MONDO:0013071, OMIM 612998.

Allele frequency attached by ClinVar (database versions not stated): gnomAD exomes below 0.00001; TOPMed 0.00001.
gnomAD v4.1: 1 of 1,614,232 alleles (0.000062%); highest among the groups gnomAD compares: African/African-American, 0.0013%; no homozygotes.

Submission:

Labcorp Genetics (formerly Invitae), Labcorp
Classification: Uncertain significance for Emery-Dreifuss muscular dystrophy 4, autosomal dominant; Autosomal recessive ataxia, Beauce type. Last evaluated: 2022-08-23. Review status: criteria provided, single submitter. Criteria: Invitae Variant Classification Sherloc (09022015). Collection method: clinical testing. Allele origin: germline.
Comment: In summary, the available evidence is currently insufficient to determine the role of this variant in disease. Therefore, it has been classified as a Variant of Uncertain Significance. Algorithms developed to predict the effect of missense changes on protein structure and function are either unavailable or do not agree on the potential impact of this missense change (SIFT: "Deleterious"; PolyPhen-2: "Benign"; Align-GVGD: "Class C0"). ClinVar contains an entry for this variant (Variation ID: 1488493). This variant has not been reported in the literature in individuals affected with SYNE1-related conditions. This variant is present in population databases (no rsID available, gnomAD 0.007%). This sequence change replaces glutamine, which is neutral and polar, with histidine, which is basic and polar, at codon 1893 of the SYNE1 protein (p.Gln1893His).